The following is an entry in ClinVar:

ClinVar aggregate classification (germline): Pathogenic (1 of 4 stars; one submission).

Conditions:
PCCA-related disorder. Also called: PCCA-related condition.

Submission:

PreventionGenetics, part of Exact Sciences
Classification: Pathogenic for PCCA-related condition. Last evaluated: 2023-02-18. Review status: criteria provided, single submitter. Criteria: ACMG Guidelines, 2015. Collection method: clinical testing. Allele origin: germline.
Comment: The PCCA c.1298delG variant is predicted to result in a frameshift and premature protein termination (p.Ser433Metfs*16). To our knowledge, this variant has not been reported in the literature or in a large population database, indicating this variant is rare. Frameshift variants in PCCA are expected to be pathogenic. We therefore interpret this variant as pathogenic.

NM_000282.4(PCCA):c.1298del (p.Ser433fs)

Gene: PCCA (propionyl-CoA carboxylase subunit alpha; plus strand). Cytogenetic location: 13q32.3.
Variant type: Deletion.
Coding change: c.1298del on transcript NM_000282.4 (MANE Select); coding-DNA position 1298, one base deleted (G; older notation c.1298delG).
Protein change: p.Ser433fs; shifts the reading frame from serine 433.
Molecular consequence: frameshift variant. On other transcripts: non-coding transcript variant (5).
Genome position (GRCh38, 1-based): chr13:100,307,205, G deleted. VCF-style (leftmost placement, unchanged base first): chr13-100307204-AG-A. GRCh37 (hg19) VCF-style: chr13-100959458-AG-A.
Other names: c.1220del, p.Ser407fs (NM_001127692.3, NM_001352607.2); c.1298del, p.Ser433fs (NM_001178004.2, NM_001352605.2, NM_001352609.2); c.1154del, p.Ser385fs (NM_001352606.2); c.1076del, p.Ser359fs (NM_001352608.2); c.353del, p.Ser118fs (NM_001352610.2, NM_001352611.2); c.209del, p.Ser70fs (NM_001352612.2); short protein forms S118fs, S359fs, S385fs, S407fs, S433fs, S70fs.
Identifiers: ClinVar variation 2630426 (VCV002630426.1), dbSNP rs2548142680, ClinGen allele CA2695199769.